The following is an entry in ClinVar:

NM_000548.5(TSC2):c.3373C>T (p.Arg1125Trp)

Gene: TSC2 (TSC complex subunit 2; plus strand). Cytogenetic location: 16p13.3.
Variant type: single nucleotide variant.
Coding change: c.3373C>T on transcript NM_000548.5 (MANE Select); coding-DNA position 3373, C replaced by T.
Protein change: p.Arg1125Trp; replaces arginine 1125 with tryptophan.
Molecular consequence: missense variant.
Genome position (GRCh38, 1-based): chr16:2,079,645, C>T. VCF-style: chr16-2079645-C-T. GRCh37 (hg19) VCF-style: chr16-2129646-C-T.
Other names: c.3241C>T, p.Arg1081Trp (NM_001077183.3, NM_001370404.1); c.3373C>T, p.Arg1125Trp (NM_001114382.3); c.3133C>T, p.Arg1045Trp (NM_001318827.2); c.3097C>T, p.Arg1033Trp (NM_001318829.2); c.2641C>T, p.Arg881Trp (NM_001318831.2); c.3274C>T, p.Arg1092Trp (NM_001318832.2); c.3244C>T, p.Arg1082Trp (NM_001363528.2, NM_001370405.1, NM_021055.3); short protein forms R1045W, R1081W, R1125W, R881W, R1033W, R1082W, R1092W.
Identifiers: ClinVar variation 659094 (VCV000659094.24), dbSNP rs747420910, ClinGen allele CA046293.
Genomic context (GRCh38, chr16:2,079,645, plus strand): 5'-ACCAAGGAGGCGCCGGCCAAGCTGGAGTCCCAGGCTGGGCAGCAGGTGTCCCGTGGGGCC[C>T]GGGATCGGGTCCGTTCCATGTCGGGTGAGCCTTGGCCCCAGCCACCTCCACACAGGCACC-3'
Protein context (NP_000539.2, residues 1115-1135): QAGQQVSRGA[Arg1125Trp]DRVRSMSGGH

ClinVar aggregate classification (germline): Conflicting classifications of pathogenicity. Review status: criteria provided, conflicting classifications (1 of 4 stars). 6 submissions from 6 submitters: Uncertain significance (5); Benign (1). Last evaluated 2025-12-09.

Conditions:
Hereditary cancer-predisposing syndrome. Also called: Neoplastic Syndromes, Hereditary; Hereditary neoplastic syndrome; Hereditary Cancer Syndrome; Tumor predisposition. Identifiers: Orphanet 140162, MedGen C0027672, MeSH D009386, MONDO:0015356.
Tuberous sclerosis 2 (TSC2). Identifiers: Orphanet 805, MedGen C1860707, MONDO:0013199, OMIM 613254.
Lymphangiomyomatosis (LAM). Also called: Lymphangioleiomyomatosis; Lymphangioleiomyomatosis, somatic. Identifiers: Orphanet 538, MedGen C0751674, MONDO:0011705, OMIM 606690.
Isolated focal cortical dysplasia type II (FCORD2). Also called: Focal cortical dysplasia type II; CORTICAL DYSPLASIA OF TAYLOR. Identifiers: Orphanet 268994, MedGen C1846385, MONDO:0011818, OMIM 607341, HP:0032051.

Allele frequency attached by ClinVar (database versions not stated): ExAC 0.00001; gnomAD exomes 0.00001.
gnomAD v4.1: 9 of 1,603,748 alleles (0.00056%); highest among the groups gnomAD compares: South Asian, 0.0045%; no homozygotes.

Submissions (6):

GeneDx
Classification: Uncertain significance. Last evaluated: 2025-12-09. Review status: criteria provided, single submitter. Criteria: GeneDx Variant Classification Process June 2021. Collection method: clinical testing. Allele origin: germline. Affected: yes.
Comment: In silico analysis supports that this missense variant has a deleterious effect on protein structure/function; Has not been previously published as pathogenic or benign to our knowledge

Ambry Genetics
Classification: Uncertain significance for Hereditary cancer-predisposing syndrome. Last evaluated: 2025-09-26. Review status: criteria provided, single submitter. Criteria: Ambry Variant Classification Scheme 2023. Collection method: clinical testing. Allele origin: germline.
Comment: The p.R1125W variant (also known as c.3373C>T), located in coding exon 28 of the TSC2 gene, results from a C to T substitution at nucleotide position 3373. The arginine at codon 1125 is replaced by tryptophan, an amino acid with dissimilar properties. This amino acid position is highly conserved in available vertebrate species. In addition, this alteration is predicted to be deleterious by in silico analysis. Since supporting evidence is limited at this time, the clinical significance of this alteration remains unclear.

Labcorp Genetics (formerly Invitae), Labcorp
Classification: Benign for Tuberous sclerosis 2. Last evaluated: 2025-06-22. Review status: criteria provided, single submitter. Criteria: Invitae Variant Classification Sherloc (09022015). Collection method: clinical testing. Allele origin: germline.

Fulgent Genetics
Classification: Uncertain significance for Lymphangiomyomatosis; Isolated focal cortical dysplasia type II; Tuberous sclerosis 2. Last evaluated: 2024-05-16. Review status: criteria provided, single submitter. Criteria: ACMG Guidelines, 2015. Collection method: clinical testing. Allele origin: germline.

Quest Diagnostics Nichols Institute San Juan Capistrano
Classification: Uncertain significance. Last evaluated: 2023-12-21. Review status: criteria provided, single submitter. Criteria: Quest Diagnostics criteria. Collection method: clinical testing. Allele origin: unknown.

Genome-Nilou Lab
Classification: Uncertain significance for Tuberous sclerosis 2. Last evaluated: 2021-11-07. Review status: criteria provided, single submitter. Criteria: ACMG Guidelines, 2015. Collection method: clinical testing. Allele origin: germline. Affected: no.